The following is an entry in ClinVar:

ClinVar aggregate classification (germline): Uncertain significance. Review status: criteria provided, multiple submitters, no conflicts (2 of 4 stars). 3 submissions from 3 submitters: Uncertain significance (3). Last evaluated 2025-05-29.

Conditions:
Fanconi anemia (FA). Also called: Fanconi's anemia. Identifiers: Orphanet 84, MedGen C0015625, MeSH D005199, MONDO:0019391.

Allele frequency attached by ClinVar (database versions not stated): TOPMed 0.00002; gnomAD 0.00003; gnomAD exomes 0.00006 and 0.00002; ExAC 0.00002.
gnomAD v4.1: 91 of 1,614,058 alleles (0.0056%); highest among the groups gnomAD compares: Non-Finnish European, 0.0076%; no homozygotes.

Submissions (3):

Labcorp Genetics (formerly Invitae), Labcorp
Classification: Uncertain significance for Fanconi anemia. Last evaluated: 2025-05-29. Review status: criteria provided, single submitter. Criteria: Invitae Variant Classification Sherloc (09022015). Collection method: clinical testing. Allele origin: germline.
Comment: This sequence change replaces glutamine, which is neutral and polar, with arginine, which is basic and polar, at codon 1868 of the FANCM protein (p.Gln1868Arg). This variant is present in population databases (rs764031097, gnomAD 0.004%). This variant has not been reported in the literature in individuals affected with FANCM-related conditions. ClinVar contains an entry for this variant (Variation ID: 649727). An algorithm developed to predict the effect of missense changes on protein structure and function (PolyPhen-2) suggests that this variant is likely to be tolerated. In summary, the available evidence is currently insufficient to determine the role of this variant in disease. Therefore, it has been classified as a Variant of Uncertain Significance.

GeneDx
Classification: Uncertain significance. Last evaluated: 2024-12-06. Review status: criteria provided, single submitter. Criteria: GeneDx Variant Classification Process June 2021. Collection method: clinical testing. Allele origin: germline.
Comment: Not observed at significant frequency in large population cohorts (gnomAD); In silico analysis supports that this missense variant has a deleterious effect on protein structure/function; Has not been previously published as pathogenic or benign to our knowledge

Blueprint Genetics
Classification: Uncertain significance. Last evaluated: 2024-08-27. Review status: criteria provided, single submitter. Criteria: ACMG Guidelines, 2015. Collection method: clinical testing. Allele origin: germline.

NM_020937.4(FANCM):c.5603A>G (p.Gln1868Arg)

Gene: FANCM (FA complementation group M; plus strand). Cytogenetic location: 14q21.2.
Variant type: single nucleotide variant.
Coding change: c.5603A>G on transcript NM_020937.4 (MANE Select); coding-DNA position 5603, A replaced by G.
Protein change: p.Gln1868Arg; replaces glutamine 1868 with arginine.
Molecular consequence: missense variant.
Genome position (GRCh38, 1-based): chr14:45,196,434, A>G. VCF-style: chr14-45196434-A-G. GRCh37 (hg19) VCF-style: chr14-45665637-A-G.
Other names: c.5603A>G (LRG_502t1); c.5525A>G, p.Gln1842Arg (NM_001308133.2); short protein forms Q1842R, Q1868R.
Identifiers: ClinVar variation 649727 (VCV000649727.11), dbSNP rs764031097, ClinGen allele CA7170028.